The following is an entry in ClinVar:

NM_016539.4(SIRT6):c.72C>T (p.Phe24=)

Gene: SIRT6 (sirtuin 6; minus strand). Cytogenetic location: 19p13.3.
Variant type: single nucleotide variant.
Coding change: c.72C>T on transcript NM_016539.4 (MANE Select); coding-DNA position 72, C replaced by T.
Protein change: p.Phe24=; no amino-acid change (phenylalanine 24 retained).
Molecular consequence: synonymous variant. On other transcripts: 5 prime UTR variant (1), intron variant (3).
Genome position (GRCh38, 1-based): chr19:4,180,904, G>A on the plus strand (C>T on the coding strand, the complement: SIRT6 is on the minus strand). VCF-style: chr19-4180904-G-A. GRCh37 (hg19) VCF-style: chr19-4180901-G-A.
Other names: c.72C>T, p.Phe24= (NM_001193285.3, NM_001321059.2, NM_001321060.2 and 1 more transcripts); c.-145C>T (NM_001321064.2); c.-29+1570C>T (NM_001321062.2); c.-23+1570C>T (NM_001321061.2, NM_001321058.2).
Identifiers: ClinVar variation 2649030 (VCV002649030.24), dbSNP rs34786277, ClinGen allele CA9092067.

ClinVar aggregate classification (germline): Likely benign (1 of 4 stars; one submission).

Allele frequency attached by ClinVar (database versions not stated): 1000 Genomes Project 30x 0.00078; 1000 Genomes Project 0.00080; ExAC 0.00139; gnomAD 0.00171; TOPMed 0.00178; ESP Exome Variant Server 0.00192; gnomAD exomes 0.00283.
gnomAD v4.1: 4,371 of 1,610,750 alleles (0.27%); highest among the groups gnomAD compares: Non-Finnish European, 0.35%; 6 homozygotes.

Submission:

CeGaT Center for Human Genetics Tuebingen
Classification: Likely benign. Last evaluated: 2022-10-01. Review status: criteria provided, single submitter. Criteria: CeGaT Center For Human Genetics Tuebingen Variant Classification Criteria Version 2. Collection method: clinical testing. Allele origin: germline. Affected: yes. Observed: 1 variant allele.
Comment: SIRT6: BP4, BP7